The following is an entry in ClinVar:

NM_001256317.3(TMPRSS3):c.282A>G (p.Gly94=)

Gene: TMPRSS3 (transmembrane serine protease 3; minus strand). Cytogenetic location: 21q22.3.
Variant type: single nucleotide variant.
Coding change: c.282A>G on transcript NM_001256317.3 (MANE Select); coding-DNA position 282, A replaced by G.
Protein change: p.Gly94=; no amino-acid change (glycine 94 retained).
Molecular consequence: synonymous variant. On other transcripts: 5 prime UTR variant (1).
Genome position (GRCh38, 1-based): chr21:42,388,969, T>C on the plus strand (A>G on the coding strand, the complement: TMPRSS3 is on the minus strand). VCF-style: chr21-42388969-T-C. GRCh37 (hg19) VCF-style: chr21-43809078-T-C.
Other names: c.282A>G, p.Gly94= (NM_024022.4, NM_032405.2); c.-100A>G (NM_032404.3).
Identifiers: ClinVar variation 1205721 (VCV001205721.10), dbSNP rs143130957, ClinGen allele CA10042692.

ClinVar aggregate classification (germline): Likely benign. Review status: criteria provided, multiple submitters, no conflicts (2 of 4 stars). 4 submissions from 4 submitters: Likely benign (4). Last evaluated 2026-01-24.

Conditions:
TMPRSS3-related disorder. Also called: TMPRSS3-related condition.

Allele frequency attached by ClinVar (database versions not stated): gnomAD exomes 0.00012; ExAC 0.00016; ESP Exome Variant Server 0.00046; gnomAD 0.00046 and 0.00047; TOPMed 0.00054; 1000 Genomes Project 30x 0.00062; 1000 Genomes Project 0.00080.

Submissions (4):

Labcorp Genetics (formerly Invitae), Labcorp
Classification: Likely benign. Last evaluated: 2026-01-24. Review status: criteria provided, single submitter. Criteria: Invitae Variant Classification Sherloc (09022015). Collection method: clinical testing. Allele origin: germline.

PreventionGenetics, part of Exact Sciences
Classification: Likely benign for TMPRSS3-related condition. Last evaluated: 2025-09-18. Review status: criteria provided, single submitter. Criteria: ACMG Guidelines, 2015. Collection method: clinical testing. Allele origin: germline.
Comment: This variant is classified as likely benign based on ACMG/AMP sequence variant interpretation guidelines (Richards et al. 2015 PMID: 25741868, with internal and published modifications).

Blueprint Genetics
Classification: Likely benign. Last evaluated: 2024-02-20. Review status: criteria provided, single submitter. Criteria: ACMG Guidelines, 2015. Collection method: clinical testing. Allele origin: germline.

GeneDx
Classification: Likely benign. Last evaluated: 2020-12-08. Review status: criteria provided, single submitter. Criteria: GeneDx Variant Classification Process June 2021. Collection method: clinical testing. Allele origin: germline. Affected: yes.